The following is an entry in ClinVar:

NM_173602.3(DIP2B):c.2461C>T (p.Arg821Ter)

Gene: DIP2B (DIP2 acetate--CoA ligase B (putative); plus strand). Cytogenetic location: 12q13.12.
Variant type: single nucleotide variant.
Coding change: c.2461C>T on transcript NM_173602.3 (MANE Select); coding-DNA position 2461, C replaced by T.
Protein change: p.Arg821Ter; replaces arginine 821 with a stop codon.
Molecular consequence: nonsense.
Genome position (GRCh38, 1-based): chr12:50,706,592, C>T. VCF-style: chr12-50706592-C-T. GRCh37 (hg19) VCF-style: chr12-51100375-C-T.
Other names: short protein forms R821*.
Identifiers: ClinVar variation 4820107 (VCV004820107.1).

ClinVar aggregate classification (germline): Likely pathogenic (1 of 4 stars; one submission).

Conditions:
DIP2B-related neurodevelopmental disorder.

gnomAD v4.1: 3 of 1,613,868 alleles (0.00019%); highest among the groups gnomAD compares: African/African-American, 0.0013%; no homozygotes.

Submission:

Schrauwen Lab, The University of Arizona College of Medicine Phoenix
Classification: Likely pathogenic for DIP2B-related neurodevelopmental disorder. Last evaluated: 2026-04-09. Review status: criteria provided, single submitter. Criteria: ACMG Guidelines, 2015. Collection method: research. Allele origin: unknown. Affected: yes.
Comment: Very low frequency in population databases, predicted protein truncating nonsense mediated decay, leading to neurodevelopmental disorder, found by whole exome sequencing